The following is an entry in ClinVar:

ClinVar aggregate classification (germline): Pathogenic/Likely pathogenic. Review status: criteria provided, multiple submitters, no conflicts (2 of 4 stars). 6 submissions from 6 submitters: Pathogenic (4); Likely pathogenic (1). 1 of the submissions does not count toward it. Last evaluated 2026-01-02.

Conditions:
G6PD NILGIRI.
Anemia, nonspherocytic hemolytic, due to G6PD deficiency (CNSHA1). Also called: ANEMIA, CONGENITAL, NONSPHEROCYTIC HEMOLYTIC, 1; Hemolytic anemia due to G6PD deficiency; Class I glucose-6-phosphate dehydrogenase deficiency; Favism, susceptibility to. Identifiers: Orphanet 466026, MedGen C2720289, MONDO:0010480, OMIM 300908.
G6PD deficiency. Also called: G6PD A-. Identifiers: MedGen C2939465, MONDO:0005775.
Malaria, susceptibility to. Identifiers: Orphanet 673, MedGen C1970028, MONDO:0021024, OMIM 611162.

Allele frequency attached by ClinVar (database versions not stated): gnomAD exomes below 0.00001.
gnomAD v4.1: 1 of 1,211,638 alleles (0.000083%); highest among the groups gnomAD compares: Non-Finnish European, 0.00011%; no homozygotes.

Submissions (6):

Women's Health and Genetics/Laboratory Corporation of America, LabCorp
Classification: Pathogenic for G6PD deficiency. Last evaluated: 2026-01-02. Review status: criteria provided, single submitter. Criteria: LabCorp Variant Classification Summary - May 2015. Collection method: clinical testing. Allele origin: germline.
Comment: Variant summary: G6PD c.683G>A (p.Arg228His) results in a non-conservative amino acid change in the encoded protein sequence. Algorithms developed to predict the effect of missense changes on protein structure and function all suggest that this variant is likely to be disruptive. The variant was absent in 183262 control chromosomes. c.683G>A has been observed in multiple individuals affected with Glucose 6 Phosphate Dehydrogenase Deficiency. These data indicate that the variant is very likely to be associated with disease. The following publications have been ascertained in the context of this evaluation (PMID: 18043863, 27427187, 29333274). ClinVar contains an entry for this variant (Variation ID: 10417). Based on the evidence outlined above, the variant was classified as pathogenic.

Labcorp Genetics (formerly Invitae), Labcorp
Classification: Pathogenic for Anemia, nonspherocytic hemolytic, due to G6PD deficiency. Last evaluated: 2025-02-06. Review status: criteria provided, single submitter. Criteria: Invitae Variant Classification Sherloc (09022015). Collection method: clinical testing. Allele origin: germline.
Comment: This sequence change replaces arginine, which is basic and polar, with histidine, which is basic and polar, at codon 198 of the G6PD protein (p.Arg198His). This variant is not present in population databases (gnomAD no frequency). This missense change has been observed in individuals with glucose-6-phosphate dehydrogenase deficiency (PMID: 18043863, 29333274). ClinVar contains an entry for this variant (Variation ID: 10417). Invitae Evidence Modeling of protein sequence and biophysical properties (such as structural, functional, and spatial information, amino acid conservation, physicochemical variation, residue mobility, and thermodynamic stability) indicates that this missense variant is expected to disrupt G6PD protein function with a positive predictive value of 95%. This variant disrupts the p.Arg198 amino acid residue in G6PD. Other variant(s) that disrupt this residue have been determined to be pathogenic (PMID: 1551674, 7789945, 11499668, 16155737, 16927025). This suggests that this residue is clinically significant, and that variants that disrupt this residue are likely to be disease-causing. For these reasons, this variant has been classified as Pathogenic.

Baylor Genetics
Classification: Likely pathogenic for Malaria, susceptibility to. Last evaluated: 2024-01-23. Review status: criteria provided, single submitter. Criteria: ACMG Guidelines, 2015. Collection method: clinical testing. Allele origin: unknown.

Dunham Lab, University of Washington
Classification: Pathogenic for Anemia, nonspherocytic hemolytic, due to G6PD deficiency. Last evaluated: 2022-08-12. Review status: criteria provided, single submitter. Criteria: Bayesian ACMG Guidelines, 2018. Collection method: curation. Allele origin: maternal. Affected: yes.
Comment: Variant found in unrelated hemizygotes with deficiency (PS4_M, PP4). Decreased activity in red blood cells (1%) and when expressed in yeast (60%) (PS3). Located in substrate binding site (PM1). Not found in gnomAD (PM2). Reported as pathogenic by Mendelics (PP5). Post_P 0.9998 (odds of pathogenicity 59154, Prior_P 0.1).

Mendelics
Classification: Pathogenic for Anemia, nonspherocytic hemolytic, due to G6PD deficiency. Last evaluated: 2019-05-28. Review status: criteria provided, single submitter. Criteria: Mendelics Assertion Criteria 2017. Collection method: clinical testing. Allele origin: unknown.

OMIM
Classification: other for G6PD NILGIRI. Last evaluated: 2017-05-24. Review status: no assertion criteria provided. Collection method: literature only. Allele origin: germline. Not counted in ClinVar's aggregate classification.

Literature cited by the submitters: PubMed 27427187 (cited by Women's Health and Genetics/Laboratory Corporation of America, LabCorp); PubMed 29333274 (cited by 3 submitters); PubMed 18043863 (cited by 4 submitters); PubMed 1551674 (cited by Labcorp Genetics (formerly Invitae), Labcorp); PubMed 7789945 (cited by Labcorp Genetics (formerly Invitae), Labcorp); PubMed 11499668 (cited by Labcorp Genetics (formerly Invitae), Labcorp); PubMed 16155737 (cited by Labcorp Genetics (formerly Invitae), Labcorp); PubMed 16927025 (cited by Labcorp Genetics (formerly Invitae), Labcorp); PubMed 16193512 (cited by Dunham Lab, University of Washington); PubMed 31294066 (cited by Dunham Lab, University of Washington).

NM_000402.4(G6PD):c.683G>A (p.Arg228His)

Gene: G6PD (glucose-6-phosphate dehydrogenase; minus strand). Cytogenetic location: Xq28.
Variant type: single nucleotide variant.
Coding change: c.683G>A on transcript NM_000402.4; coding-DNA position 683, G replaced by A.
Protein change: p.Arg228His; replaces arginine 228 with histidine.
Molecular consequence: missense variant.
Genome position (GRCh38, 1-based): chrX:154,534,389, C>T on the plus strand (G>A on the coding strand, the complement: G6PD is on the minus strand). VCF-style: chrX-154534389-C-T. GRCh37 (hg19) VCF-style: chrX-153762604-C-T.
Other names: G6PD, ARG198HIS; G6PD Nilgiri; c.593G>A, p.Arg198His (NM_001042351.3, NM_001360016.2); short protein forms R198H, R228H.
Identifiers: ClinVar variation 10417 (VCV000010417.10), dbSNP rs137852332, ClinGen allele CA121057.